The following is an entry in ClinVar:

ClinVar aggregate classification (germline): Uncertain significance. Review status: criteria provided, multiple submitters, no conflicts (2 of 4 stars). 5 submissions from 5 submitters: Uncertain significance (4). 1 of the submissions does not count toward it. Last evaluated 2024-12-20.

Conditions:
Autosomal recessive limb-girdle muscular dystrophy type 2O. Also called: Limb-Girdle Muscular Dystrophy Type 3C; MUSCULAR DYSTROPHY-DYSTROGLYCANOPATHY (LIMB-GIRDLE), TYPE C, 3; MUSCULAR DYSTROPHY-DYSTROGLYCANOPATHY, LIMB-GIRDLE, POMGNT1-RELATED. Identifiers: Orphanet 206564, MedGen C3150417, MONDO:0013161, OMIM 613157.
Muscular dystrophy-dystroglycanopathy (congenital with impaired intellectual development), type B, 3. Also called: Muscular dystrophy-dystroglycanopathy (congenital with intellectual disability), type B3; MUSCULAR DYSTROPHY, CONGENITAL, POMGNT1-RELATED. Identifiers: MedGen C3150412, MONDO:0013155, OMIM 613151.
Muscle eye brain disease (MEB). Also called: Santavuori congenital muscular dystrophy. Identifiers: Orphanet 588, Orphanet 899, MedGen C0457133, MONDO:0018939.

Allele frequency attached by ClinVar (database versions not stated): gnomAD 0.00003; gnomAD exomes 0.00004 and 0.00002; TOPMed 0.00002; ExAC 0.00003; ESP Exome Variant Server 0.00015.
gnomAD v4.1: 76 of 1,614,038 alleles (0.0047%); highest among the groups gnomAD compares: Non-Finnish European, 0.0054%; no homozygotes.

Submissions (5):

Revvity Omics, Revvity
Classification: Uncertain significance. Last evaluated: 2024-12-20. Review status: criteria provided, single submitter. Criteria: ACMG Guidelines, 2015. Collection method: clinical testing. Allele origin: germline.

Blueprint Genetics
Classification: Uncertain significance. Last evaluated: 2024-08-29. Review status: criteria provided, single submitter. Criteria: ACMG Guidelines, 2015. Collection method: clinical testing. Allele origin: germline.

Labcorp Genetics (formerly Invitae), Labcorp
Classification: Uncertain significance for Autosomal recessive limb-girdle muscular dystrophy type 2O; Muscular dystrophy-dystroglycanopathy (congenital with impaired intellectual development), type B, 3. Last evaluated: 2022-07-31. Review status: criteria provided, single submitter. Criteria: Invitae Variant Classification Sherloc (09022015). Collection method: clinical testing. Allele origin: germline.
Comment: This sequence change replaces aspartic acid, which is acidic and polar, with glutamic acid, which is acidic and polar, at codon 296 of the POMGNT1 protein (p.Asp296Glu). This variant is present in population databases (rs369970994, gnomAD 0.005%). This variant has not been reported in the literature in individuals affected with POMGNT1-related conditions. ClinVar contains an entry for this variant (Variation ID: 497835). Advanced modeling of protein sequence and biophysical properties (such as structural, functional, and spatial information, amino acid conservation, physicochemical variation, residue mobility, and thermodynamic stability) performed at Invitae indicates that this missense variant is not expected to disrupt POMGNT1 protein function. In summary, the available evidence is currently insufficient to determine the role of this variant in disease. Therefore, it has been classified as a Variant of Uncertain Significance.

Eurofins Ntd Llc (ga)
Classification: Uncertain significance. Last evaluated: 2017-05-22. Review status: criteria provided, single submitter. Criteria: EGL Classification Definitions 2015. Collection method: clinical testing. Allele origin: germline. Observed: 2 variant alleles, 2 heterozygotes.

Natera, Inc.
Classification: Uncertain significance for Muscle-eye-brain disease. Last evaluated: 2019-10-28. Review status: no assertion criteria provided. Collection method: clinical testing. Allele origin: germline. Not counted in ClinVar's aggregate classification.

NM_017739.4(POMGNT1):c.888C>A (p.Asp296Glu)

Genes: POMGNT1 (protein O-linked mannose N-acetylglucosaminyltransferase 1 (beta 1,2-); minus strand), TSPAN1 (tetraspanin 1; plus strand). Cytogenetic location: 1p34.1.
Variant type: single nucleotide variant.
Coding change: c.888C>A on transcript NM_017739.4 (MANE Select); coding-DNA position 888, C replaced by A.
Protein change: p.Asp296Glu; replaces aspartic acid 296 with glutamic acid.
Molecular consequence: missense variant.
Genome position (GRCh38, 1-based): chr1:46,193,917, G>T on the plus strand (C>A on the coding strand, the complement: POMGNT1 is on the minus strand). VCF-style: chr1-46193917-G-T. GRCh37 (hg19) VCF-style: chr1-46659589-G-T.
Other names: c.888C>A (NM_017739.3); c.888C>A, p.Asp296Glu (NM_001243766.2, NM_001410783.1); c.822C>A, p.Asp274Glu (NM_001290129.3); c.459C>A, p.Asp153Glu (NM_001290130.2); short protein forms D296E, D153E, D274E.
Identifiers: ClinVar variation 497835 (VCV000497835.11), dbSNP rs369970994, ClinGen allele CA833576.